The following is an entry in ClinVar:

NM_001029883.3(PCARE):c.3788T>C (p.Leu1263Pro)

Gene: PCARE (photoreceptor cilium actin regulator; minus strand). Cytogenetic location: 2p23.2.
Variant type: single nucleotide variant.
Coding change: c.3788T>C on transcript NM_001029883.3 (MANE Select); coding-DNA position 3788, T replaced by C.
Protein change: p.Leu1263Pro; replaces leucine 1263 with proline.
Molecular consequence: missense variant.
Genome position (GRCh38, 1-based): chr2:29,064,948, A>G on the plus strand (T>C on the coding strand, the complement: PCARE is on the minus strand). VCF-style: chr2-29064948-A-G. GRCh37 (hg19) VCF-style: chr2-29287814-A-G.
Other names: short protein forms L1263P.
Identifiers: ClinVar variation 2047762 (VCV002047762.4), dbSNP rs2465265548, ClinGen allele CA346470369.

ClinVar aggregate classification (germline): Uncertain significance (1 of 4 stars; one submission).

Allele frequency attached by ClinVar (database versions not stated): gnomAD exomes below 0.00001.
gnomAD v4.1: 2 of 1,608,138 alleles (0.00012%); highest among the groups gnomAD compares: Non-Finnish European, 0.000085%; no homozygotes.

Submission:

Labcorp Genetics (formerly Invitae), Labcorp
Classification: Uncertain significance. Last evaluated: 2021-12-19. Review status: criteria provided, single submitter. Criteria: Invitae Variant Classification Sherloc (09022015). Collection method: clinical testing. Allele origin: germline.
Comment: In summary, the available evidence is currently insufficient to determine the role of this variant in disease. Therefore, it has been classified as a Variant of Uncertain Significance. Algorithms developed to predict the effect of missense changes on protein structure and function are either unavailable or do not agree on the potential impact of this missense change (SIFT: "Deleterious"; PolyPhen-2: "Probably Damaging"; Align-GVGD: "Class C0"). This variant has not been reported in the literature in individuals affected with PCARE-related conditions. This variant is not present in population databases (gnomAD no frequency). This sequence change replaces leucine, which is neutral and non-polar, with proline, which is neutral and non-polar, at codon 1263 of the PCARE protein (p.Leu1263Pro).